The following is an entry in ClinVar:

NM_002907.4(RECQL):c.610C>A (p.Leu204Ile)

Gene: RECQL (RecQ like helicase; minus strand). Cytogenetic location: 12p12.1.
Variant type: single nucleotide variant.
Coding change: c.610C>A on transcript NM_002907.4 (MANE Select); coding-DNA position 610, C replaced by A.
Protein change: p.Leu204Ile; replaces leucine 204 with isoleucine.
Molecular consequence: missense variant.
Genome position (GRCh38, 1-based): chr12:21,483,466, G>T on the plus strand (C>A on the coding strand, the complement: RECQL is on the minus strand). VCF-style: chr12-21483466-G-T. GRCh37 (hg19) VCF-style: chr12-21636400-G-T.
Other names: c.610C>A, p.Leu204Ile (NM_032941.3); short protein forms L204I.
Identifiers: ClinVar variation 962518 (VCV000962518.18), dbSNP rs756524934, ClinGen allele CA6479026.

ClinVar aggregate classification (germline): Uncertain significance. Review status: criteria provided, multiple submitters, no conflicts (2 of 4 stars). 4 submissions from 4 submitters: Uncertain significance (4). Last evaluated 2024-10-19.

Allele frequency attached by ClinVar (database versions not stated): gnomAD exomes 0.00003; TOPMed 0.00001; gnomAD 0.00002 and 0.00003; ExAC 0.00003.
gnomAD v4.1: 36 of 1,600,564 alleles (0.0022%); highest among the groups gnomAD compares: Non-Finnish European, 0.003%; no homozygotes.

Submissions (4):

Ambry Genetics
Classification: Uncertain significance. Last evaluated: 2024-10-19. Review status: criteria provided, single submitter. Criteria: Ambry Variant Classification Scheme 2023. Collection method: clinical testing. Allele origin: germline.
Comment: The p.L204I variant (also known as c.610C>A), located in coding exon 5 of the RECQL gene, results from a C to A substitution at nucleotide position 610. The leucine at codon 204 is replaced by isoleucine, an amino acid with highly similar properties. This amino acid position is highly conserved in available vertebrate species. In addition, the in silico prediction for this alteration is inconclusive. Since supporting evidence is limited at this time, the clinical significance of this alteration remains unclear.

Labcorp Genetics (formerly Invitae), Labcorp
Classification: Uncertain significance. Last evaluated: 2024-08-22. Review status: criteria provided, single submitter. Criteria: Invitae Variant Classification Sherloc (09022015). Collection method: clinical testing. Allele origin: germline.
Comment: This sequence change replaces leucine, which is neutral and non-polar, with isoleucine, which is neutral and non-polar, at codon 204 of the RECQL protein (p.Leu204Ile). This variant is present in population databases (rs756524934, gnomAD 0.01%). This variant has not been reported in the literature in individuals affected with RECQL-related conditions. ClinVar contains an entry for this variant (Variation ID: 962518). Invitae Evidence Modeling of protein sequence and biophysical properties (such as structural, functional, and spatial information, amino acid conservation, physicochemical variation, residue mobility, and thermodynamic stability) indicates that this missense variant is not expected to disrupt RECQL protein function with a negative predictive value of 80%. In summary, the available evidence is currently insufficient to determine the role of this variant in disease. Therefore, it has been classified as a Variant of Uncertain Significance.

GeneDx
Classification: Uncertain significance. Last evaluated: 2024-06-27. Review status: criteria provided, single submitter. Criteria: GeneDx Variant Classification Process June 2021. Collection method: clinical testing. Allele origin: germline. Affected: yes.
Comment: Observed in an individual with breast cancer (PMID: 25915596); In silico analysis indicates that this missense variant does not alter protein structure/function; Variants in candidate genes are classified as variants of uncertain significance in accordance with ACMG guidelines (PMID: 25741868); This variant is associated with the following publications: (PMID: 19151156, 27248010, 25915596)

Blueprint Genetics
Classification: Uncertain significance. Last evaluated: 2024-01-11. Review status: criteria provided, single submitter. Criteria: ACMG Guidelines, 2015. Collection method: clinical testing. Allele origin: germline.